The following is an entry in ClinVar:

ClinVar aggregate classification (germline): Likely benign (1 of 4 stars; one submission).

Allele frequency attached by ClinVar (database versions not stated): 1000 Genomes Project 30x 0.00021; 1000 Genomes Project 0.00026; gnomAD 0.00001; TOPMed 0.00001.

Submission:

CeGaT Center for Human Genetics Tuebingen
Classification: Likely benign. Last evaluated: 2022-09-01. Review status: criteria provided, single submitter. Criteria: CeGaT Center For Human Genetics Tuebingen Variant Classification Criteria Version 2. Collection method: clinical testing. Allele origin: germline. Affected: yes. Observed: 1 variant allele.
Comment: EGFL6: BP4, BP7

NM_015507.4(EGFL6):c.393G>A (p.Thr131=)

Gene: EGFL6 (EGF like domain multiple 6; plus strand). Cytogenetic location: Xp22.2.
Variant type: single nucleotide variant.
Coding change: c.393G>A on transcript NM_015507.4 (MANE Select); coding-DNA position 393, G replaced by A.
Protein change: p.Thr131=; no amino-acid change (threonine 131 retained).
Molecular consequence: synonymous variant.
Genome position (GRCh38, 1-based): chrX:13,600,087, G>A. VCF-style: chrX-13600087-G-A. GRCh37 (hg19) VCF-style: chrX-13618206-G-A.
Other names: c.393G>A, p.Thr131= (NM_001167890.2).
Identifiers: ClinVar variation 2660025 (VCV002660025.24), dbSNP rs184273053, ClinGen allele CA10350931.